The following is an entry in ClinVar:

ClinVar aggregate classification (germline): Uncertain significance. Review status: criteria provided, multiple submitters, no conflicts (2 of 4 stars). 2 submissions from 2 submitters: Uncertain significance (2). Last evaluated 2024-01-17.

Conditions:
Inborn genetic diseases. Identifiers: MedGen C0950123, MeSH D030342.

Allele frequency attached by ClinVar (database versions not stated): ExAC 0.00002; gnomAD 0.00003; TOPMed 0.00003; gnomAD exomes 0.00008; ESP Exome Variant Server 0.00015; 1000 Genomes Project 30x 0.00016; 1000 Genomes Project 0.00020.
gnomAD v4.1: 123 of 1,612,796 alleles (0.0076%); highest among the groups gnomAD compares: Non-Finnish European, 0.0097%; no homozygotes.

Submissions (2):

Ambry Genetics
Classification: Uncertain significance for Inborn genetic diseases. Last evaluated: 2024-01-17. Review status: criteria provided, single submitter. Criteria: Ambry Variant Classification Scheme 2023. Collection method: clinical testing. Allele origin: germline.

GeneDx
Classification: Uncertain significance. Last evaluated: 2023-11-03. Review status: criteria provided, single submitter. Criteria: GeneDx Variant Classification Process June 2021. Collection method: clinical testing. Allele origin: germline. Affected: yes.
Comment: In silico analysis supports that this missense variant has a deleterious effect on protein structure/function; Has not been previously published as pathogenic or benign to our knowledge

NM_005560.6(LAMA5):c.3502G>T (p.Asp1168Tyr)

Gene: LAMA5 (laminin subunit alpha 5; minus strand). Cytogenetic location: 20q13.33.
Variant type: single nucleotide variant.
Coding change: c.3502G>T on transcript NM_005560.6 (MANE Select); coding-DNA position 3502, G replaced by T.
Protein change: p.Asp1168Tyr; replaces aspartic acid 1168 with tyrosine.
Molecular consequence: missense variant.
Genome position (GRCh38, 1-based): chr20:62,332,422, C>A on the plus strand (G>T on the coding strand, the complement: LAMA5 is on the minus strand). VCF-style: chr20-62332422-C-A. GRCh37 (hg19) VCF-style: chr20-60907478-C-A.
Other names: short protein forms D1168Y.
Identifiers: ClinVar variation 3117516 (VCV003117516.2), dbSNP rs138669003, ClinGen allele CA9942979.